The following is an entry in ClinVar:

ClinVar aggregate classification (germline): Uncertain significance (1 of 4 stars; one submission).

Conditions:
Developmental and epileptic encephalopathy, 32 (DEE32). Also called: Epileptic encephalopathy, early infantile, 32. Identifiers: Orphanet 442835, MedGen C4225350, MONDO:0014607, OMIM 616366.

Allele frequency attached by ClinVar (database versions not stated): gnomAD exomes below 0.00001; TOPMed below 0.00001.
gnomAD v4.1: 4 of 1,614,184 alleles (0.00025%); highest among the groups gnomAD compares: African/African-American, 0.0013%; no homozygotes.

Submission:

Labcorp Genetics (formerly Invitae), Labcorp
Classification: Uncertain significance for Developmental and epileptic encephalopathy, 32. Last evaluated: 2022-06-13. Review status: criteria provided, single submitter. Criteria: Invitae Variant Classification Sherloc (09022015). Collection method: clinical testing. Allele origin: germline.
Comment: This sequence change replaces arginine, which is basic and polar, with cysteine, which is neutral and slightly polar, at codon 82 of the KCNA2 protein (p.Arg82Cys). This variant is present in population databases (no rsID available, gnomAD 0.007%). In summary, the available evidence is currently insufficient to determine the role of this variant in disease. Therefore, it has been classified as a Variant of Uncertain Significance. Algorithms developed to predict the effect of missense changes on protein structure and function (SIFT, PolyPhen-2, Align-GVGD) all suggest that this variant is likely to be disruptive. ClinVar contains an entry for this variant (Variation ID: 542665). This variant has not been reported in the literature in individuals affected with KCNA2-related conditions.

NM_004974.4(KCNA2):c.244C>T (p.Arg82Cys)

Gene: KCNA2 (potassium voltage-gated channel subfamily A member 2; minus strand). Cytogenetic location: 1p13.3.
Variant type: single nucleotide variant.
Coding change: c.244C>T on transcript NM_004974.4 (MANE Select); coding-DNA position 244, C replaced by T.
Protein change: p.Arg82Cys; replaces arginine 82 with cysteine.
Molecular consequence: missense variant.
Genome position (GRCh38, 1-based): chr1:110,604,539, G>A on the plus strand (C>T on the coding strand, the complement: KCNA2 is on the minus strand). VCF-style: chr1-110604539-G-A. GRCh37 (hg19) VCF-style: chr1-111147161-G-A.
Other names: c.244C>T, p.Arg82Cys (NM_001204269.2); short protein forms R82C.
Identifiers: ClinVar variation 542665 (VCV000542665.9), dbSNP rs1433727837, ClinGen allele CA341606249.